The following is an entry in ClinVar:

ClinVar aggregate classification (germline): Benign. Review status: criteria provided, multiple submitters, no conflicts (2 of 4 stars). 2 submissions from 2 submitters: Benign (2). Last evaluated 2011-08-08.

Allele frequency attached by ClinVar (database versions not stated): 1000 Genomes Project 0.05970; 1000 Genomes Project 30x 0.06199; TOPMed 0.09593.
gnomAD v4.1: 80,507 of 734,816 alleles (11%); highest among the groups gnomAD compares: Middle Eastern, 14%; 5,320 homozygotes.

Submissions (2):

GeneDx
Classification: Benign. Last evaluated: 2011-08-08. Review status: criteria provided, single submitter. Criteria: GeneDx Variant Classification (06012015). Collection method: clinical testing. Allele origin: germline. Affected: yes.
Comment: This variant is considered likely benign or benign based on one or more of the following criteria: it is a conservative change, it occurs at a poorly conserved position in the protein, it is predicted to be benign by multiple in silico algorithms, and/or has population frequency not consistent with disease.

Breakthrough Genomics
Classification: Benign. Review status: criteria provided, single submitter. Criteria: ACMG Guidelines, 2015. Collection method: not provided. Allele origin: germline. Inheritance: Autosomal dominant inheritance. Affected: yes.

NM_007078.3(LDB3):c.-48G>A

Gene: LDB3 (LIM domain binding 3; plus strand). Cytogenetic location: 10q23.2.
Variant type: single nucleotide variant.
Coding change: c.-48G>A on transcript NM_007078.3 (MANE Select); 48 bases upstream of the start codon, G replaced by A.
Molecular consequence: 5 prime UTR variant. On other transcripts: intron variant (3).
Genome position (GRCh38, 1-based): chr10:86,668,546, G>A. VCF-style: chr10-86668546-G-A. GRCh37 (hg19) VCF-style: chr10-88428303-G-A.
Other names: c.-48G>A (NM_001080114.2, NM_001080115.2, NM_001171610.2 and 4 more transcripts); c.-23-123G>A (NM_001368064.1, NM_001368063.1, NM_001368068.1).
Identifiers: ClinVar variation 138104 (VCV000138104.2), dbSNP rs2803556, ClinGen allele CA291907.